The following is an entry in ClinVar:

ClinVar aggregate classification (germline): Uncertain significance. Review status: criteria provided, multiple submitters, no conflicts (2 of 4 stars). 4 submissions from 4 submitters: Uncertain significance (4). Last evaluated 2025-06-30.

Conditions:
Inborn genetic diseases. Identifiers: MedGen C0950123, MeSH D030342.
Autoinflammatory syndrome. Identifiers: Orphanet 93665, MedGen C3890737, MONDO:0019751.
Familial cold autoinflammatory syndrome 2 (FCAS2). Identifiers: Orphanet 247868, MedGen C2673198, MONDO:0012724, OMIM 611762.

Allele frequency attached by ClinVar (database versions not stated): ExAC 0.00004; TOPMed 0.00009; ESP Exome Variant Server 0.00015.
gnomAD v4.1: 67 of 1,613,724 alleles (0.0042%); highest among the groups gnomAD compares: Middle Eastern, 0.016%; no homozygotes.

Submissions (4):

Ambry Genetics
Classification: Uncertain significance for Inborn genetic diseases. Last evaluated: 2025-06-30. Review status: criteria provided, single submitter. Criteria: Ambry Variant Classification Scheme 2023. Collection method: clinical testing. Allele origin: germline.

Labcorp Genetics (formerly Invitae), Labcorp
Classification: Uncertain significance for Familial cold autoinflammatory syndrome 2. Last evaluated: 2025-04-14. Review status: criteria provided, single submitter. Criteria: Invitae Variant Classification Sherloc (09022015). Collection method: clinical testing. Allele origin: germline.
Comment: This sequence change replaces arginine, which is basic and polar, with cysteine, which is neutral and slightly polar, at codon 867 of the NLRP12 protein (p.Arg867Cys). This variant is present in population databases (rs149373778, gnomAD 0.02%). This variant has not been reported in the literature in individuals affected with NLRP12-related conditions. ClinVar contains an entry for this variant (Variation ID: 808637). An algorithm developed to predict the effect of missense changes on protein structure and function (PolyPhen-2) suggests that this variant is likely to be disruptive. In summary, the available evidence is currently insufficient to determine the role of this variant in disease. Therefore, it has been classified as a Variant of Uncertain Significance.

Genome Diagnostics Laboratory, The Hospital for Sick Children
Classification: Uncertain significance for Autoinflammatory syndrome. Last evaluated: 2021-10-28. Review status: criteria provided, single submitter. Criteria: ACMG Guidelines, 2015. Collection method: clinical testing. Allele origin: germline. Affected: yes.

CeGaT Center for Human Genetics Tuebingen
Classification: Uncertain significance. Last evaluated: 2018-08-01. Review status: criteria provided, single submitter. Criteria: CeGaT Center For Human Genetics Tuebingen Variant Classification Criteria Version 2. Collection method: clinical testing. Allele origin: germline. Affected: yes. Observed: 1 variant allele.

NM_144687.4(NLRP12):c.2599C>T (p.Arg867Cys)

Gene: NLRP12 (NLR family pyrin domain containing 12; minus strand). Cytogenetic location: 19q13.42.
Variant type: single nucleotide variant.
Coding change: c.2599C>T on transcript NM_144687.4 (MANE Select); coding-DNA position 2599, C replaced by T.
Protein change: p.Arg867Cys; replaces arginine 867 with cysteine.
Molecular consequence: missense variant.
Genome position (GRCh38, 1-based): chr19:53,801,384, G>A on the plus strand (C>T on the coding strand, the complement: NLRP12 is on the minus strand). VCF-style: chr19-53801384-G-A. GRCh37 (hg19) VCF-style: chr19-54304638-G-A.
Other names: c.2602C>T, p.Arg868Cys (NM_001277126.2); c.2599C>T, p.Arg867Cys (NM_001277129.1); c.2599C>T (NM_144687.2); short protein forms R867C, R868C.
Identifiers: ClinVar variation 808637 (VCV000808637.52), dbSNP rs149373778, ClinGen allele CA9638980.